The following is an entry in ClinVar:

NM_000352.6(ABCC8):c.4325A>T (p.Glu1442Val)

Gene: ABCC8 (ATP binding cassette subfamily C member 8; minus strand). Cytogenetic location: 11p15.1.
Variant type: single nucleotide variant.
Coding change: c.4325A>T on transcript NM_000352.6 (MANE Select); coding-DNA position 4325, A replaced by T.
Protein change: p.Glu1442Val; replaces glutamic acid 1442 with valine.
Molecular consequence: missense variant. On other transcripts: non-coding transcript variant (1).
Genome position (GRCh38, 1-based): chr11:17,395,258, T>A on the plus strand (A>T on the coding strand, the complement: ABCC8 is on the minus strand). VCF-style: chr11-17395258-T-A. GRCh37 (hg19) VCF-style: chr11-17416805-T-A.
Other names: c.4328A>T, p.Glu1443Val (NM_001287174.3); c.4391A>T, p.Glu1464Val (NM_001351295.2); c.4325A>T, p.Glu1442Val (NM_001351296.2); c.4322A>T, p.Glu1441Val (NM_001351297.2); short protein forms E1441V, E1442V, E1443V, E1464V.
Identifiers: ClinVar variation 830318 (VCV000830318.9), dbSNP rs562680077, ClinGen allele CA5902491.

ClinVar aggregate classification (germline): Conflicting classifications of pathogenicity. Review status: criteria provided, conflicting classifications (1 of 4 stars). 4 submissions from 3 submitters: Uncertain significance (3); Likely benign (1). Last evaluated 2025-06-04.

Conditions:
Maturity-onset diabetes of the young (MODY). Also called: Maturity onset diabetes mellitus in young. Identifiers: Orphanet 552, MedGen C0342276, MONDO:0018911, HP:0004904.
Transitory neonatal diabetes mellitus. Also called: Transient neonatal diabetes mellitus. Identifiers: MedGen C0342273, MONDO:0020525, HP:0008255.
Hyperinsulinemic hypoglycemia, familial, 1 (HHF1). Also called: Persistent Hyperinsulinemia Hypoglycemia of Infancy; Persistent hyperinsulinemic hypoglycemia of infancy; HYPERINSULINISM, FAMILIAL, WITH PANCREATIC NESIDIOBLASTOSIS; HYPOGLYCEMIA, HYPERINSULINEMIC, OF INFANCY; NESIDIOBLASTOSIS OF PANCREAS. Identifiers: Orphanet 276575, Orphanet 276598, MedGen C2931832, MONDO:0009734, OMIM 256450.

Allele frequency attached by ClinVar (database versions not stated): gnomAD 0.00001; gnomAD exomes 0.00003 and 0.00008; 1000 Genomes Project 0.00020; ExAC 0.00022; 1000 Genomes Project 30x 0.00031.
gnomAD v4.1: 43 of 1,594,844 alleles (0.0027%); highest among the groups gnomAD compares: South Asian, 0.048%; 1 homozygote.

Submissions (4):

Labcorp Genetics (formerly Invitae), Labcorp
Classification: Likely benign. Last evaluated: 2025-06-04. Review status: criteria provided, single submitter. Criteria: Invitae Variant Classification Sherloc (09022015). Collection method: clinical testing. Allele origin: germline.

Diagnostics Services (NGS), CSIR - Centre For Cellular And Molecular Biology
Classification: Uncertain significance for Hyperinsulinemic hypoglycemia, familial, 1. Last evaluated: 2019-08-21. Review status: criteria provided, single submitter. Criteria: ACMG Guidelines, 2015. Collection method: clinical testing. Allele origin: germline. Inheritance: Autosomal recessive inheritance. Affected: yes. Observed: 1 homozygote.
Comment: Only heterozygous state of c.4325A>T variant is present in the publicly available databases like 1000 Genomes, ExAC, gnomAD and dbSNP, at a low minor allele frequency (MAF <= 0.0002). However the variant is not present in our in-house exome database. This variant was also not reported earlier in OMIM, ClinVar and HGMD databases, in any affected individuals. In-silico pathogenicity prediction programs like Polyphen2, Mutation Taster2, CADD etc. predicted this variant as likely deleterious however there are contradictory predictions in few other programs. There are no existing functional studies to assess the pathogenicity of this variant. Due to lack of enough evidence the variant has been classified as uncertain significance.

Clinical Genomics, Uppaluri K&H Personalized Medicine Clinic
Classification: Uncertain significance for Transitory neonatal diabetes mellitus. Review status: criteria provided, single submitter. Criteria: K & H Uppaluri Personalized Medicine Clinic Variant Classification & Assertion Criteria_Updated V.1. Collection method: research. Allele origin: somatic. Inheritance: Somatic mutation.
Comment: Mutations in ABCC8 gene are associated with both neonatal diabetes mellitus as well as MODY. Patients with this mutation may have a better response to sulfonylureas. However, no sufficient evidence is found to ascertain the role of this particular variant (rs562680077 ) in neonatal diabetes yet.

Clinical Genomics, Uppaluri K&H Personalized Medicine Clinic
Classification: Uncertain significance for Maturity-onset diabetes of the young. Review status: criteria provided, single submitter. Criteria: K & H Uppaluri Personalized Medicine Clinic Variant Classification & Assertion Criteria_Updated V.1. Collection method: research. Allele origin: somatic. Inheritance: Somatic mutation.
Comment: Mutations in ABCC8 gene are associated with both neonatal diabetes mellitus as well as MODY. Patients with this mutation may have a better response to sulfonylureas. However, no sufficient evidence is found to ascertain the role of this particular variant ( rs562680077) in MODY yet.

Literature cited by the submitters: PubMed 16885549 (cited by Clinical Genomics, Uppaluri K&H Personalized Medicine Clinic); PubMed 21989597 (cited by Clinical Genomics, Uppaluri K&H Personalized Medicine Clinic); PubMed 27538677 (cited by Clinical Genomics, Uppaluri K&H Personalized Medicine Clinic); PubMed 18981553 (cited by Clinical Genomics, Uppaluri K&H Personalized Medicine Clinic); PubMed 32027066 (cited by Clinical Genomics, Uppaluri K&H Personalized Medicine Clinic); PubMed 16613899 (cited by Clinical Genomics, Uppaluri K&H Personalized Medicine Clinic); PubMed 18025408 (cited by Clinical Genomics, Uppaluri K&H Personalized Medicine Clinic); PubMed 32792356 (cited by Clinical Genomics, Uppaluri K&H Personalized Medicine Clinic).